The following is an entry in ClinVar:

NM_001278293.3(ARL6):c.176A>G (p.Lys59Arg)

Gene: ARL6 (ARF like GTPase 6; plus strand). Cytogenetic location: 3q11.2.
Variant type: single nucleotide variant.
Coding change: c.176A>G on transcript NM_001278293.3 (MANE Select); coding-DNA position 176, A replaced by G.
Protein change: p.Lys59Arg; replaces lysine 59 with arginine.
Molecular consequence: missense variant. On other transcripts: non-coding transcript variant (7).
Genome position (GRCh38, 1-based): chr3:97,780,211, A>G. VCF-style: chr3-97780211-A-G. GRCh37 (hg19) VCF-style: chr3-97499055-A-G.
Other names: c.176A>G, p.Lys59Arg (NM_001323513.2, NM_001323514.2, NM_032146.5 and 1 more transcripts); short protein forms K59R.
Identifiers: ClinVar variation 3353637 (VCV003353637.1).

ClinVar aggregate classification (germline): Uncertain significance (0 of 4 stars; one submission).

Conditions:
ARL6-related disorder. Also called: ARL6-related condition.

gnomAD v4.1: 3 of 1,612,272 alleles (0.00019%); highest among the groups gnomAD compares: South Asian, 0.0011%; no homozygotes.

Submission:

PreventionGenetics, part of Exact Sciences
Classification: Uncertain significance for ARL6-related condition. Last evaluated: 2024-08-22. Review status: no assertion criteria provided. Collection method: clinical testing. Allele origin: germline.
Comment: The ARL6 c.176A>G variant is predicted to result in the amino acid substitution p.Lys59Arg. To our knowledge, this variant has not been reported in the literature. This variant is reported in 0.0033% of alleles in individuals of South Asian descent in gnomAD. At this time, the clinical significance of this variant is uncertain due to the absence of conclusive functional and genetic evidence.